The following is an entry in ClinVar:

ClinVar aggregate classification (germline): Uncertain significance (1 of 4 stars; one submission).

Allele frequency attached by ClinVar (database versions not stated): TOPMed below 0.00001; gnomAD 0.00001; gnomAD exomes 0.00001.
gnomAD v4.1: 21 of 1,613,934 alleles (0.0013%); highest among the groups gnomAD compares: Non-Finnish European, 0.0016%; no homozygotes.

Submission:

Labcorp Genetics (formerly Invitae), Labcorp
Classification: Uncertain significance. Last evaluated: 2022-02-19. Review status: criteria provided, single submitter. Criteria: Invitae Variant Classification Sherloc (09022015). Collection method: clinical testing. Allele origin: germline.
Comment: This sequence change replaces aspartic acid, which is acidic and polar, with asparagine, which is neutral and polar, at codon 320 of the ALDH3A2 protein (p.Asp320Asn). This variant is present in population databases (no rsID available, gnomAD no frequency). This variant has not been reported in the literature in individuals affected with ALDH3A2-related conditions. Advanced modeling of protein sequence and biophysical properties (such as structural, functional, and spatial information, amino acid conservation, physicochemical variation, residue mobility, and thermodynamic stability) performed at Invitae indicates that this missense variant is not expected to disrupt ALDH3A2 protein function. In summary, the available evidence is currently insufficient to determine the role of this variant in disease. Therefore, it has been classified as a Variant of Uncertain Significance.

NM_000382.3(ALDH3A2):c.958G>A (p.Asp320Asn)

Gene: ALDH3A2 (aldehyde dehydrogenase 3 family member A2; plus strand). Cytogenetic location: 17p11.2.
Variant type: single nucleotide variant.
Coding change: c.958G>A on transcript NM_000382.3 (MANE Select); coding-DNA position 958, G replaced by A.
Protein change: p.Asp320Asn; replaces aspartic acid 320 with asparagine.
Molecular consequence: missense variant.
Genome position (GRCh38, 1-based): chr17:19,663,350, G>A. VCF-style: chr17-19663350-G-A. GRCh37 (hg19) VCF-style: chr17-19566663-G-A.
Other names: c.958G>A, p.Asp320Asn (NM_001031806.2, NM_001369136.1, NM_001369137.2 and 3 more transcripts); c.379G>A, p.Asp127Asn (NM_001369148.2); short protein forms D127N, D320N.
Identifiers: ClinVar variation 2164847 (VCV002164847.1), dbSNP rs1277576744, ClinGen allele CA398709790.
Genomic context (GRCh38, chr17:19,663,350, plus strand): 5'-TTTTGTCTAATAAGCATTTTCATTTTGTTTATTTTCTTTTTAGCCCCAACAGTACTTACC[G>A]ATGTTGATCCTAAAACCAAGGTGATGCAAGAAGAAATTTTTGGACCAATTCTTCCAATAG-3'
Protein context (NP_000373.1, residues 310-330): TRYIAPTVLT[Asp320Asn]VDPKTKVMQE